The following is an entry in ClinVar:

ClinVar aggregate classification (germline): Uncertain significance. Review status: criteria provided, multiple submitters, no conflicts (2 of 4 stars). 2 submissions from 2 submitters: Uncertain significance (2). Last evaluated 2024-11-04.

Conditions:
Hypertrophic cardiomyopathy 13. Also called: TNNC1-Related Familial Hypertrophic Cardiomyopathy. Identifiers: MedGen C2750472, MONDO:0013195, OMIM 613243.
Dilated cardiomyopathy 1Z (CMD1Z). Identifiers: Orphanet 154, MedGen C2678475, MONDO:0012745, OMIM 611879.

Allele frequency attached by ClinVar (database versions not stated): gnomAD exomes below 0.00001 and 0.00001.

Submissions (2):

Labcorp Genetics (formerly Invitae), Labcorp
Classification: Uncertain significance for Hypertrophic cardiomyopathy 13; Dilated cardiomyopathy 1Z. Last evaluated: 2024-11-04. Review status: criteria provided, single submitter. Criteria: Invitae Variant Classification Sherloc (09022015). Collection method: clinical testing. Allele origin: germline.
Comment: This sequence change replaces glycine, which is neutral and non-polar, with serine, which is neutral and polar, at codon 68 of the TNNC1 protein (p.Gly68Ser). This variant is present in population databases (no rsID available, gnomAD 0.0009%). This missense change has been observed in individual(s) with dilated cardiomyopathy (PMID: 36178741). ClinVar contains an entry for this variant (Variation ID: 1509784). An algorithm developed to predict the effect of missense changes on protein structure and function (PolyPhen-2) suggests that this variant is likely to be tolerated. Algorithms developed to predict the effect of sequence changes on RNA splicing suggest that this variant may disrupt the consensus splice site. In summary, the available evidence is currently insufficient to determine the role of this variant in disease. Therefore, it has been classified as a Variant of Uncertain Significance.

Fulgent Genetics
Classification: Uncertain significance for Dilated cardiomyopathy 1Z; Hypertrophic cardiomyopathy 13. Last evaluated: 2021-10-15. Review status: criteria provided, single submitter. Criteria: ACMG Guidelines, 2015. Collection method: clinical testing. Allele origin: unknown.

Literature cited by the submitters: PubMed 36178741 (cited by Labcorp Genetics (formerly Invitae), Labcorp).

NM_003280.3(TNNC1):c.202G>A (p.Gly68Ser)

Gene: TNNC1 (troponin C1, slow skeletal and cardiac type; minus strand). Cytogenetic location: 3p21.1.
Variant type: single nucleotide variant.
Coding change: c.202G>A on transcript NM_003280.3 (MANE Select); coding-DNA position 202, G replaced by A.
Protein change: p.Gly68Ser; replaces glycine 68 with serine.
Molecular consequence: missense variant.
Genome position (GRCh38, 1-based): chr3:52,452,106, C>T on the plus strand (G>A on the coding strand, the complement: TNNC1 is on the minus strand). VCF-style: chr3-52452106-C-T. GRCh37 (hg19) VCF-style: chr3-52486122-C-T.
Other names: short protein forms G68S.
Identifiers: ClinVar variation 1509784 (VCV001509784.9), dbSNP rs1267940563, ClinGen allele CA353167879.